The following is an entry in ClinVar:

ClinVar aggregate classification (germline): Pathogenic. Review status: criteria provided, multiple submitters, no conflicts (2 of 4 stars). 8 submissions from 8 submitters: Pathogenic (8). Last evaluated 2026-10-06.

Conditions:
Neurofibromatosis, type 1 (NF1). Also called: Peripheral type neurofibromatosis; Neurofibromatosis, type I; VON RECKLINGHAUSEN DISEASE; NEUROFIBROMATOSIS, TYPE I, SOMATIC. Identifiers: Orphanet 636, MedGen C0027831, MONDO:0018975, OMIM 162200. Disease mechanism: loss of function.
Neurofibromatosis-Noonan syndrome (NFNS). Also called: NEUROFIBROMATOSIS WITH NOONAN PHENOTYPE. Identifiers: Orphanet 638, MedGen C2931482, MONDO:0011035, OMIM 601321. Disease mechanism: loss of function.
Café-au-lait macules with pulmonary stenosis (WTSN). Also called: PULMONIC STENOSIS WITH CAFE-AU-LAIT SPOTS. Identifiers: MedGen C0553586, MONDO:0008672, OMIM 193520.
Neurofibromatosis, familial spinal (FSNF). Identifiers: Orphanet 636, MedGen C1834235, MONDO:0008078, OMIM 162210. Disease mechanism: loss of function.
Juvenile myelomonocytic leukemia (JMML). Also called: LEUKEMIA, JUVENILE MYELOMONOCYTIC, SOMATIC. Identifiers: Orphanet 86834, MedGen C0349639, MONDO:0011908, OMIM 607785, HP:0012209.

Submissions (8):

NHS Central & South Genomic Laboratory Hub
Classification: Pathogenic for Neurofibromatosis type 1. Last evaluated: 2026-10-06. Review status: criteria provided, single submitter. Criteria: ACMG Guidelines, 2015. Collection method: clinical testing. Allele origin: germline. Affected: yes.

Labcorp Genetics (formerly Invitae), Labcorp
Classification: Pathogenic for Neurofibromatosis, type 1. Last evaluated: 2025-04-30. Review status: criteria provided, single submitter. Criteria: Invitae Variant Classification Sherloc (09022015). Collection method: clinical testing. Allele origin: germline.
Comment: This sequence change affects an acceptor splice site in intron 31 of the NF1 gene. RNA analysis indicates that disruption of this splice site induces altered splicing and likely results in the loss of 3 amino acid residue(s), but is expected to preserve the integrity of the reading-frame. This variant is not present in population databases (gnomAD no frequency). Disruption of this splice site has been observed in individuals with clinical features of neurofibromatosis type 1 (PMID: 18800150, 19785027, 23913538). Invitae Evidence Modeling of clinical and family history, age, sex, and reported ancestry of multiple individuals with this NF1 variant has been performed. This variant is expected to be pathogenic with a positive predictive value of at least 99%. This is a validated machine learning model that incorporates the clinical features of 1,785,918 individuals referred to our laboratory for NF1 testing. This variant is also known as IVS24-2A>G. ClinVar contains an entry for this variant (Variation ID: 449427). Studies have shown that disruption of this splice site results in the activation of a cryptic splice site in exon 32 (PMID: 23913538). This variant disrupts a region of the NF1 protein in which other variant(s) (p.Leu1425Pro) have been determined to be pathogenic (PMID: 10607834, 10712197, 31730495). This suggests that this is a clinically significant region of the protein, and that variants that disrupt it are likely to be disease-causing. For these reasons, this variant has been classified as Pathogenic.

Quest Diagnostics Nichols Institute San Juan Capistrano
Classification: Pathogenic. Last evaluated: 2023-09-13. Review status: criteria provided, single submitter. Criteria: Quest Diagnostics criteria. Collection method: clinical testing. Allele origin: unknown.
Comment: This variant disrupts a canonical splice-acceptor site and interferes with normal NF1 mRNA splicing. In the published literature, this variant has been reported in individuals with neurofibromatosis type 1 (PMID: 19785027 (2010), 23913538 (2013), 27074763 (2016), 35885913 (2022)), and breast cancer (PMID: 32427313 (2020)). This variant has not been reported in large, multi-ethnic general populations (Genome Aggregation Database). Based on the available information, this variant is classified as pathogenic.

Genome-Nilou Lab
Classification: Pathogenic for Neurofibromatosis, type 1. Last evaluated: 2022-03-15. Review status: criteria provided, single submitter. Criteria: ACMG Guidelines, 2015. Collection method: clinical testing. Allele origin: germline. Affected: no.

GeneDx
Classification: Pathogenic. Last evaluated: 2022-03-08. Review status: criteria provided, single submitter. Criteria: GeneDx Variant Classification Process June 2021. Collection method: clinical testing. Allele origin: germline. Affected: yes.
Comment: Canonical splice site variant predicted to result in a null allele in a gene for which loss-of-function is a known mechanism of disease; Not observed in large population cohorts (gnomAD); Also known as c.4333-2A>G and IVS24-2A>G; This variant is associated with the following publications: (PMID: 22155606, 22034633, 19785027, 27074763, 18800150, 32427313)

Greenwood Genetic Center Diagnostic Laboratories, Greenwood Genetic Center
Classification: Pathogenic. Last evaluated: 2021-02-10. Review status: criteria provided, single submitter. Criteria: ACMG Guidelines, 2015. Collection method: clinical testing. Allele origin: germline. Affected: yes.
Comment: PVS1, PS4_Supporting, PM2, PM6

Center for Human Genetics, Inc
Classification: Pathogenic for Neurofibromatosis, type 1. Last evaluated: 2016-11-01. Review status: criteria provided, single submitter. Criteria: ACMG Guidelines, 2015. Collection method: clinical testing. Allele origin: germline. Affected: yes.

Juno Genomics, Hangzhou Juno Genomics, Inc
Classification: Pathogenic for Café-au-lait macules with pulmonary stenosis; Neurofibromatosis, type 1; Juvenile myelomonocytic leukemia; Neurofibromatosis, familial spinal; Neurofibromatosis-Noonan syndrome. Review status: criteria provided, single submitter. Criteria: ACMG Guidelines, 2015. Collection method: clinical testing. Allele origin: germline. Affected: yes.
Comment: Absent from controls (or at extremely low frequency if recessive) in Genome Aggregation Database.;Null variant in a gene where loss of function (LOF) is a known mechanism of disease.;The prevalence of the variant in affected individuals is significantly increased compared to the prevalence in controls.;De novo (both maternity and paternity confirmed) in a patient with the disease and no family history.;Patient's phenotype or family history is highly specific for a disease with a single genetic etiology.

Literature cited by the submitters: PubMed 18800150 (cited by Labcorp Genetics (formerly Invitae), Labcorp and Quest Diagnostics Nichols Institute San Juan Capistrano); PubMed 19785027 (cited by Labcorp Genetics (formerly Invitae), Labcorp and Quest Diagnostics Nichols Institute San Juan Capistrano); PubMed 23913538 (cited by Labcorp Genetics (formerly Invitae), Labcorp and Quest Diagnostics Nichols Institute San Juan Capistrano); PubMed 10607834 (cited by Labcorp Genetics (formerly Invitae), Labcorp); PubMed 10712197 (cited by Labcorp Genetics (formerly Invitae), Labcorp); PubMed 31730495 (cited by Labcorp Genetics (formerly Invitae), Labcorp); PubMed 27074763 (cited by Quest Diagnostics Nichols Institute San Juan Capistrano); PubMed 22034633 (cited by Quest Diagnostics Nichols Institute San Juan Capistrano); PubMed 32427313 (cited by Quest Diagnostics Nichols Institute San Juan Capistrano); PubMed 35885913 (cited by Quest Diagnostics Nichols Institute San Juan Capistrano).

NM_001042492.3(NF1):c.4333-2A>G

Gene: NF1 (neurofibromin 1; plus strand). Cytogenetic location: 17q11.2.
Variant type: single nucleotide variant.
Coding change: c.4333-2A>G on transcript NM_001042492.3 (MANE Select); the canonical splice acceptor site of the intron before coding-DNA position 4333, A replaced by G.
Molecular consequence: splice acceptor variant.
Genome position (GRCh38, 1-based): chr17:31,259,030, A>G. VCF-style: chr17-31259030-A-G. GRCh37 (hg19) VCF-style: chr17-29586048-A-G.
Other names: c.4270-2A>G (NM_000267.4).
Identifiers: ClinVar variation 449427 (VCV000449427.19), dbSNP rs1555618634, ClinGen allele CA398998666.